The following is an entry in ClinVar:

NM_001035.3(RYR2):c.1293G>A (p.Arg431=)

Gene: RYR2 (ryanodine receptor 2; plus strand). Cytogenetic location: 1q43.
Variant type: single nucleotide variant.
Coding change: c.1293G>A on transcript NM_001035.3 (MANE Select); coding-DNA position 1293, G replaced by A.
Protein change: p.Arg431=; no amino-acid change (arginine 431 retained).
Molecular consequence: synonymous variant.
Genome position (GRCh38, 1-based): chr1:237,454,391, G>A. VCF-style: chr1-237454391-G-A. GRCh37 (hg19) VCF-style: chr1-237617691-G-A.
Identifiers: ClinVar variation 924563 (VCV000924563.14), dbSNP rs1658550441, ClinGen allele CA066819.

ClinVar aggregate classification (germline): Likely benign. Review status: criteria provided, multiple submitters, no conflicts (2 of 4 stars). 3 submissions from 3 submitters: Likely benign (3). Last evaluated 2023-08-30.

Conditions:
Catecholaminergic polymorphic ventricular tachycardia (CVPT). Also called: Catecholamine-induced polymorphic ventricular tachycardia. Identifiers: Orphanet 3286, MedGen C5574922, MONDO:0017990.
Cardiomyopathy (CMYO). Also called: Cardiomyopathies. Identifiers: Orphanet 167848, MedGen C0878544, MONDO:0004994, HP:0001638. Inheritance: Various modes of inheritance.
Catecholaminergic polymorphic ventricular tachycardia 1. Also called: VENTRICULAR TACHYCARDIA, CATECHOLAMINERGIC POLYMORPHIC, 1, WITH OR WITHOUT ATRIAL DYSFUNCTION AND/OR DILATED CARDIOMYOPATHY; RYR2-Related Catecholaminergic Polymorphic Ventricular Tachycardia; VENTRICULAR TACHYCARDIA, STRESS-INDUCED POLYMORPHIC 1. Identifiers: Orphanet 3286, MedGen C1631597, MONDO:0011484, OMIM 604772.

Submissions (3):

Labcorp Genetics (formerly Invitae), Labcorp
Classification: Likely benign for Catecholaminergic polymorphic ventricular tachycardia 1. Last evaluated: 2023-08-30. Review status: criteria provided, single submitter. Criteria: Invitae Variant Classification Sherloc (09022015). Collection method: clinical testing. Allele origin: germline.

All of Us Research Program, National Institutes of Health
Classification: Likely benign for Catecholaminergic polymorphic ventricular tachycardia. Last evaluated: 2023-08-28. Review status: criteria provided, single submitter. Criteria: ACMG Guidelines, 2015. Collection method: clinical testing. Allele origin: germline. Inheritance: Autosomal dominant inheritance. Observed: 1 variant allele, 1 heterozygote.
Comment: This study involves interpretation of variants in research participants for the purpose of population health screening. Participant phenotype was not available at the time of variant classification. Additional details can be found in publication PMID: 35346344, PMCID: PMC8962531

Color Diagnostics, LLC DBA Color Health
Classification: Likely benign for Cardiomyopathy. Last evaluated: 2019-12-23. Review status: criteria provided, single submitter. Criteria: ACMG Guidelines, 2015. Collection method: clinical testing. Allele origin: germline.